The following is an entry in ClinVar:

NM_002890.3(RASA1):c.515C>T (p.Pro172Leu)

Gene: RASA1 (RAS p21 protein activator 1; plus strand). Cytogenetic location: 5q14.3.
Variant type: single nucleotide variant.
Coding change: c.515C>T on transcript NM_002890.3 (MANE Select); coding-DNA position 515, C replaced by T.
Protein change: p.Pro172Leu; replaces proline 172 with leucine.
Molecular consequence: missense variant. On other transcripts: 5 prime UTR variant (1).
Genome position (GRCh38, 1-based): chr5:87,268,966, C>T. VCF-style: chr5-87268966-C-T. GRCh37 (hg19) VCF-style: chr5-86564783-C-T.
Other names: c.-82C>T (NM_022650.3); short protein forms P172L.
Identifiers: ClinVar variation 1485421 (VCV001485421.6), dbSNP rs776808856, ClinGen allele CA360417553.

ClinVar aggregate classification (germline): Uncertain significance (1 of 4 stars; one submission).

Conditions:
Capillary malformation-arteriovenous malformation syndrome. Also called: Capillary malformation-arteriovenous malformation. Identifiers: Orphanet 137667, MedGen C1842180, MONDO:0012016.

gnomAD v4.1: 1 of 1,614,182 alleles (0.000062%); highest among the groups gnomAD compares: East Asian, 0.0022%; no homozygotes.

Submission:

Labcorp Genetics (formerly Invitae), Labcorp
Classification: Uncertain significance for Capillary malformation-arteriovenous malformation syndrome. Last evaluated: 2021-09-15. Review status: criteria provided, single submitter. Criteria: Invitae Variant Classification Sherloc (09022015). Collection method: clinical testing. Allele origin: germline.
Comment: Algorithms developed to predict the effect of missense changes on protein structure and function are either unavailable or do not agree on the potential impact of this missense change (SIFT: "Deleterious"; PolyPhen-2: "Benign"; Align-GVGD: "Class C0"). This sequence change replaces proline with leucine at codon 172 of the RASA1 protein (p.Pro172Leu). The proline residue is moderately conserved and there is a moderate physicochemical difference between proline and leucine. This variant is not present in population databases (ExAC no frequency). This variant has not been reported in the literature in individuals affected with RASA1-related conditions. In summary, the available evidence is currently insufficient to determine the role of this variant in disease. Therefore, it has been classified as a Variant of Uncertain Significance.